The following is an entry in ClinVar:

ClinVar aggregate classification (germline): Uncertain significance (1 of 4 stars; one submission).

gnomAD v4.1: 12 of 1,535,408 alleles (0.00078%); highest among the groups gnomAD compares: East Asian, 0.0024%; no homozygotes.

Submission:

Labcorp Genetics (formerly Invitae), Labcorp
Classification: Uncertain significance. Last evaluated: 2024-12-12. Review status: criteria provided, single submitter. Criteria: Invitae Variant Classification Sherloc (09022015). Collection method: clinical testing. Allele origin: germline.
Comment: This sequence change falls in intron 63 of the FBN3 gene. It does not directly change the encoded amino acid sequence of the FBN3 protein. It affects a nucleotide within the consensus splice site. This variant is present in population databases (no rsID available, gnomAD 0.007%). This variant has not been reported in the literature in individuals affected with FBN3-related conditions. Variants that disrupt the consensus splice site are a relatively common cause of aberrant splicing (PMID: 17576681, 9536098). Algorithms developed to predict the effect of sequence changes on RNA splicing suggest that this variant is not likely to affect RNA splicing. In summary, the available evidence is currently insufficient to determine the role of this variant in disease. Therefore, it has been classified as a Variant of Uncertain Significance.

Literature cited by the submitters: PubMed 17576681; PubMed 9536098.

NM_032447.5(FBN3):c.8089-3C>A

Gene: FBN3 (fibrillin 3; minus strand). Cytogenetic location: 19p13.2.
Variant type: single nucleotide variant.
Coding change: c.8089-3C>A on transcript NM_032447.5 (MANE Select); 3 bases into the intron before coding-DNA position 8089, C replaced by A.
Molecular consequence: intron variant.
Genome position (GRCh38, 1-based): chr19:8,066,263, G>T on the plus strand (C>A on the coding strand, the complement: FBN3 is on the minus strand). VCF-style: chr19-8066263-G-T. GRCh37 (hg19) VCF-style: chr19-8131147-G-T.
Other names: c.8089-3C>A (NM_001321431.2).
Identifiers: ClinVar variation 3619237 (VCV003619237.2).